The following is an entry in ClinVar:

NM_021020.5(LZTS1):c.610A>G (p.Ser204Gly)

Gene: LZTS1 (leucine zipper tumor suppressor 1; minus strand). Cytogenetic location: 8p21.3.
Variant type: single nucleotide variant.
Coding change: c.610A>G on transcript NM_021020.5 (MANE Select); coding-DNA position 610, A replaced by G.
Protein change: p.Ser204Gly; replaces serine 204 with glycine.
Molecular consequence: missense variant.
Genome position (GRCh38, 1-based): chr8:20,253,321, T>C on the plus strand (A>G on the coding strand, the complement: LZTS1 is on the minus strand). VCF-style: chr8-20253321-T-C. GRCh37 (hg19) VCF-style: chr8-20110832-T-C.
Other names: c.610A>G, p.Ser204Gly (NM_001362884.2); short protein forms S204G.
Identifiers: ClinVar variation 2988244 (VCV002988244.3), dbSNP rs2128892227, ClinGen allele CA370477914.
Genomic context (GRCh38, chr8:20,253,321, plus strand): 5'-TGTTGCTGTCCTGGAGGACGATGCCCTGGGTGATGTTGTGGGCGGAGCCCCCAAAACGGC[T>C]TGTGGGTCCCACGGGTGTGACCAGCGGGTCCAGCTGGTAGCTGCTGCTGGTGCTGTGTGT-3'
Protein context (NP_066300.1, residues 194-214): DPLVTPVGPT[Ser204Gly]RFGGSAHNIT

ClinVar aggregate classification (germline): Uncertain significance (1 of 4 stars; one submission).

Allele frequency attached by ClinVar (database versions not stated): gnomAD exomes below 0.00001.

Submission:

Labcorp Genetics (formerly Invitae), Labcorp
Classification: Uncertain significance. Last evaluated: 2025-02-04. Review status: criteria provided, single submitter. Criteria: Invitae Variant Classification Sherloc (09022015). Collection method: clinical testing. Allele origin: germline.
Comment: This sequence change replaces serine, which is neutral and polar, with glycine, which is neutral and non-polar, at codon 204 of the LZTS1 protein (p.Ser204Gly). This variant is not present in population databases (gnomAD no frequency). This variant has not been reported in the literature in individuals affected with LZTS1-related conditions. ClinVar contains an entry for this variant (Variation ID: 2988244). Invitae Evidence Modeling of protein sequence and biophysical properties (such as structural, functional, and spatial information, amino acid conservation, physicochemical variation, residue mobility, and thermodynamic stability) indicates that this missense variant is not expected to disrupt LZTS1 protein function with a negative predictive value of 80%. In summary, the available evidence is currently insufficient to determine the role of this variant in disease. Therefore, it has been classified as a Variant of Uncertain Significance.